The following is an entry in ClinVar:

ClinVar aggregate classification (germline): Conflicting classifications of pathogenicity. Review status: criteria provided, conflicting classifications (1 of 4 stars). 2 submissions from 2 submitters: Likely pathogenic (1); Uncertain significance (1). Last evaluated 2025-07-16.

Submissions (2):

Women's Health and Genetics/Laboratory Corporation of America, LabCorp
Classification: Uncertain significance. Last evaluated: 2025-07-16. Review status: criteria provided, single submitter. Criteria: LabCorp Variant Classification Summary - May 2015. Collection method: clinical testing. Allele origin: germline.
Comment: Variant summary: ALPL c.1162T>G (p.Tyr388Asp) results in a non-conservative amino acid change in the encoded protein sequence. Algorithms developed to predict the effect of missense changes on protein structure and function all suggest that this variant is likely to be disruptive. The variant was absent in 251472 control chromosomes. The available data on variant occurrences in the general population are insufficient to allow any conclusion about variant significance. To our knowledge, no occurrence of c.1162T>G in individuals affected with Hypophosphatasia and no experimental evidence demonstrating its impact on protein function have been reported. ClinVar contains an entry for this variant (Variation ID: 2098474). Based on the evidence outlined above, the variant was classified as uncertain significance.

Labcorp Genetics (formerly Invitae), Labcorp
Classification: Likely pathogenic. Last evaluated: 2022-07-30. Review status: criteria provided, single submitter. Criteria: Invitae Variant Classification Sherloc (09022015). Collection method: clinical testing. Allele origin: germline.
Comment: This variant disrupts the p.Tyr388His amino acid residue in ALPL. Other variant(s) that disrupt this residue have been determined to be pathogenic (PMID: 20924064, 23509830, 24022022). This suggests that this residue is clinically significant, and that variants that disrupt this residue are likely to be disease-causing. Advanced modeling of protein sequence and biophysical properties (such as structural, functional, and spatial information, amino acid conservation, physicochemical variation, residue mobility, and thermodynamic stability) performed at Invitae indicates that this missense variant is expected to disrupt ALPL protein function. This variant has not been reported in the literature in individuals affected with ALPL-related conditions. This variant is not present in population databases (gnomAD no frequency). This sequence change replaces tyrosine, which is neutral and polar, with aspartic acid, which is acidic and polar, at codon 388 of the ALPL protein (p.Tyr388Asp). In summary, the currently available evidence indicates that the variant is pathogenic, but additional data are needed to prove that conclusively. Therefore, this variant has been classified as Likely Pathogenic.

Literature cited by the submitters: PubMed 20924064 (cited by Labcorp Genetics (formerly Invitae), Labcorp); PubMed 23509830 (cited by Labcorp Genetics (formerly Invitae), Labcorp); PubMed 24022022 (cited by Labcorp Genetics (formerly Invitae), Labcorp).

NM_000478.6(ALPL):c.1162T>G (p.Tyr388Asp)

Gene: ALPL (alkaline phosphatase, biomineralization associated; plus strand). Cytogenetic location: 1p36.12.
Variant type: single nucleotide variant.
Coding change: c.1162T>G on transcript NM_000478.6 (MANE Select); coding-DNA position 1162, T replaced by G.
Protein change: p.Tyr388Asp; replaces tyrosine 388 with aspartic acid.
Molecular consequence: missense variant.
Genome position (GRCh38, 1-based): chr1:21,575,897, T>G. VCF-style: chr1-21575897-T-G. GRCh37 (hg19) VCF-style: chr1-21902390-T-G.
Other names: c.997T>G, p.Tyr333Asp (NM_001127501.4); c.931T>G, p.Tyr311Asp (NM_001177520.3); c.1162T>G, p.Tyr388Asp (NM_001369803.2, NM_001369804.2, NM_001369805.2); short protein forms Y333D, Y311D, Y388D.
Identifiers: ClinVar variation 2098474 (VCV002098474.6), dbSNP rs1644722881, ClinGen allele CA338881452.
Genomic context (GRCh38, chr1:21,575,897, plus strand): 5'-TCGGAAGACACTCTGACCGTGGTCACTGCGGACCATTCCCACGTCTTCACATTTGGTGGA[T>G]ACACCCCCCGTGGCAACTCTATCTTTGGTAGGTGGGCCTTCTTTGGGGTGGACACTCCTG-3'
Protein context (NP_000469.3, residues 378-398): DHSHVFTFGG[Tyr388Asp]TPRGNSIFGL